The following is an entry in ClinVar:

NM_001257359.2(SAMD14):c.771C>G (p.Pro257=)

Gene: SAMD14 (sterile alpha motif domain containing 14; minus strand). Cytogenetic location: 17q21.33.
Variant type: single nucleotide variant.
Coding change: c.771C>G on transcript NM_001257359.2 (MANE Select); coding-DNA position 771, C replaced by G.
Protein change: p.Pro257=; no amino-acid change (proline 257 retained).
Molecular consequence: synonymous variant.
Genome position (GRCh38, 1-based): chr17:50,115,615, G>C on the plus strand (C>G on the coding strand, the complement: SAMD14 is on the minus strand). VCF-style: chr17-50115615-G-C. GRCh37 (hg19) VCF-style: chr17-48192979-G-C.
Other names: c.771C>G, p.Pro257= (NM_174920.4).
Identifiers: ClinVar variation 3054993 (VCV003054993.2), dbSNP rs138319680, ClinGen allele CA8642877.

ClinVar aggregate classification (germline): Likely benign (0 of 4 stars; one submission).

Conditions:
SAMD14-related disorder. Also called: SAMD14-related condition.

Allele frequency attached by ClinVar (database versions not stated): gnomAD 0.00026; ESP Exome Variant Server 0.00031.

Submission:

PreventionGenetics, part of Exact Sciences
Classification: Likely benign for SAMD14-related condition. Last evaluated: 2021-02-16. Review status: no assertion criteria provided. Collection method: clinical testing. Allele origin: germline.
Comment: This variant is classified as likely benign based on ACMG/AMP sequence variant interpretation guidelines (Richards et al. 2015 PMID: 25741868, with internal and published modifications).